The following is an entry in ClinVar:

NM_001042492.3(NF1):c.7437dup (p.His2480fs)

Gene: NF1 (neurofibromin 1; plus strand). Cytogenetic location: 17q11.2.
Variant type: Duplication.
Coding change: c.7437dup on transcript NM_001042492.3 (MANE Select); coding-DNA position 7437, one base duplicated (T; older notation c.7437dupT).
Protein change: p.His2480fs; shifts the reading frame from histidine 2480.
Molecular consequence: frameshift variant.
Genome position (GRCh38, 1-based): chr17:31,350,298, T duplicated. VCF-style (leftmost placement, unchanged base first): chr17-31350297-A-AT. GRCh37 (hg19) VCF-style: chr17-29677315-A-AT.
Other names: c.7374dup, p.His2459Serfs (NM_000267.4); short protein forms H2459fs, H2480fs.
Identifiers: ClinVar variation 1428845 (VCV001428845.6), dbSNP rs2151574617, ClinGen allele CA2573153836.
Genomic context (GRCh38, chr17:31,350,297, plus strand): 5'-AGTCACTTCTTCTTACTGATATTTCAATGGAAAATGTTCCTATGGATACATATCCCATTC[A>AT]TCATGGTGACCCTTCCTATAGGTAAGTGGATTTACTCTCCTATAATTACATAATCATAAT-3'

ClinVar aggregate classification (germline): Pathogenic (1 of 4 stars; one submission).

Conditions:
Neurofibromatosis, type 1 (NF1). Also called: VON RECKLINGHAUSEN DISEASE; NEUROFIBROMATOSIS, TYPE I, SOMATIC; Neurofibromatosis, type I; Peripheral type neurofibromatosis. Identifiers: Orphanet 636, MedGen C0027831, MONDO:0018975, OMIM 162200. Disease mechanism: loss of function.

Submission:

Labcorp Genetics (formerly Invitae), Labcorp
Classification: Pathogenic for Neurofibromatosis, type 1. Last evaluated: 2023-06-19. Review status: criteria provided, single submitter. Criteria: Invitae Variant Classification Sherloc (09022015). Collection method: clinical testing. Allele origin: germline.
Comment: This sequence change creates a premature translational stop signal (p.His2459Serfs*3) in the NF1 gene. It is expected to result in an absent or disrupted protein product. Loss-of-function variants in NF1 are known to be pathogenic (PMID: 10712197, 23913538). For these reasons, this variant has been classified as Pathogenic. ClinVar contains an entry for this variant (Variation ID: 1428845). This variant has not been reported in the literature in individuals affected with NF1-related conditions. This variant is not present in population databases (gnomAD no frequency).

Literature cited by the submitters: PubMed 10712197; PubMed 23913538.